The following is an entry in ClinVar:

ClinVar aggregate classification (germline): Conflicting classifications of pathogenicity. Review status: criteria provided, conflicting classifications (1 of 4 stars). 7 submissions from 7 submitters: Uncertain significance (1); Likely benign (5). 1 of the submissions does not count toward it. Last evaluated 2026-02-02.

Conditions:
ADGRV1-related disorder. Also called: ADGRV1-related condition; ADGRV1-related disorders.

Allele frequency attached by ClinVar (database versions not stated): gnomAD exomes 0.00029; ExAC 0.00036; 1000 Genomes Project 30x 0.00047; 1000 Genomes Project 0.00060; ESP Exome Variant Server 0.00102; gnomAD 0.00115; TOPMed 0.00155.
gnomAD v4.1: 327 of 1,605,308 alleles (0.02%); highest among the groups gnomAD compares: African/African-American, 0.36%; 2 homozygotes.

Submissions (7):

Labcorp Genetics (formerly Invitae), Labcorp
Classification: Likely benign. Last evaluated: 2026-02-02. Review status: criteria provided, single submitter. Criteria: Invitae Variant Classification Sherloc (09022015). Collection method: clinical testing. Allele origin: germline.

Blueprint Genetics
Classification: Likely benign. Last evaluated: 2024-09-04. Review status: criteria provided, single submitter. Criteria: ACMG Guidelines, 2015. Collection method: clinical testing. Allele origin: germline.

Women's Health and Genetics/Laboratory Corporation of America, LabCorp
Classification: Likely benign. Last evaluated: 2024-01-18. Review status: criteria provided, single submitter. Criteria: LabCorp Variant Classification Summary - May 2015. Collection method: clinical testing. Allele origin: germline.
Comment: Variant summary: ADGRV1 c.2023A>C (p.Ile675Leu) results in a conservative amino acid change in the encoded protein sequence. Four of five in-silico tools predict a benign effect of the variant on protein function. The variant allele was found at a frequency of 0.0002 in 1605308 control chromosomes, predominantly at a frequency of 0.0036 within the African or African-American subpopulation in the gnomAD database, including 2 homozygotes strongly suggesting that the variant is a benign polymorphism found primarily in populations of African or African-American origin. To our knowledge, no occurrence of c.2023A>C in individuals affected with ADGRV1-Related Disorders and no experimental evidence demonstrating its impact on protein function have been reported. ClinVar contains an entry for this variant (Variation ID: 227402). Based on the evidence outlined above, the variant was classified as likely benign.

GeneDx
Classification: Likely benign. Last evaluated: 2020-12-16. Review status: criteria provided, single submitter. Criteria: GeneDx Variant Classification Process June 2021. Collection method: clinical testing. Allele origin: germline. Affected: yes.

Eurofins Ntd Llc (ga)
Classification: Uncertain significance. Last evaluated: 2018-08-13. Review status: criteria provided, single submitter. Criteria: EGL ClinVar v180209 classification definitions. Collection method: clinical testing. Allele origin: germline. Observed: 2 variant alleles, 2 heterozygotes.

Laboratory for Molecular Medicine, Mass General Brigham Personalized Medicine
Classification: Likely benign. Last evaluated: 2015-01-06. Review status: criteria provided, single submitter. Criteria: LMM Criteria. Collection method: clinical testing. Allele origin: germline. Observed: 1 variant allele.
Comment: p.Ile675Leu in exon 11 of GPR98: This variant is not expected to have clinical s ignificance because it has been identified in 0.4% (35/8602) of African chromoso mes by the Exome Aggregation Consortium (ExAC; d bSNP rs200187681}.

PreventionGenetics, part of Exact Sciences
Classification: Likely benign for ADGRV1-related condition. Last evaluated: 2021-06-28. Review status: no assertion criteria provided. Collection method: clinical testing. Allele origin: germline. Not counted in ClinVar's aggregate classification.
Comment: This variant is classified as likely benign based on ACMG/AMP sequence variant interpretation guidelines (Richards et al. 2015 PMID: 25741868, with internal and published modifications).

NM_032119.4(ADGRV1):c.2023A>C (p.Ile675Leu)

Gene: ADGRV1 (adhesion G protein-coupled receptor V1; plus strand). Cytogenetic location: 5q14.3.
Variant type: single nucleotide variant.
Coding change: c.2023A>C on transcript NM_032119.4 (MANE Select); coding-DNA position 2023, A replaced by C.
Protein change: p.Ile675Leu; replaces isoleucine 675 with leucine.
Molecular consequence: missense variant. On other transcripts: non-coding transcript variant (1).
Genome position (GRCh38, 1-based): chr5:90,637,731, A>C. VCF-style: chr5-90637731-A-C. GRCh37 (hg19) VCF-style: chr5-89933548-A-C.
Other names: short protein forms I675L.
Identifiers: ClinVar variation 227402 (VCV000227402.25), dbSNP rs200187681, ClinGen allele CA3338816.